The following is an entry in ClinVar:

ClinVar aggregate classification (germline): Uncertain significance (1 of 4 stars; one submission).

Submission:

Ambry Genetics
Classification: Uncertain significance. Last evaluated: 2024-11-12. Review status: criteria provided, single submitter. Criteria: Ambry Variant Classification Scheme 2023. Collection method: clinical testing. Allele origin: germline.
Comment: The p.N3551D variant (also known as c.10651A>G), located in coding exon 74 of the PRKDC gene, results from an A to G substitution at nucleotide position 10651. The asparagine at codon 3551 is replaced by aspartic acid, an amino acid with highly similar properties. This amino acid position is conserved. In addition, this alteration is predicted to be tolerated by in silico analysis. Based on the available evidence, the clinical significance of this variant remains unclear.

NM_006904.7(PRKDC):c.10651A>G (p.Asn3551Asp)

Gene: PRKDC (protein kinase, DNA-activated, catalytic subunit; minus strand). Cytogenetic location: 8q11.21.
Variant type: single nucleotide variant.
Coding change: c.10651A>G on transcript NM_006904.7 (MANE Select); coding-DNA position 10651, A replaced by G.
Protein change: p.Asn3551Asp; replaces asparagine 3551 with aspartic acid.
Molecular consequence: missense variant.
Genome position (GRCh38, 1-based): chr8:47,794,309, T>C on the plus strand (A>G on the coding strand, the complement: PRKDC is on the minus strand). VCF-style: chr8-47794309-T-C. GRCh37 (hg19) VCF-style: chr8-48706870-T-C.
Other names: c.10651A>G, p.Asn3551Asp (NM_001081640.2); short protein forms N3551D.
Identifiers: ClinVar variation 3425402 (VCV003425402.1).